The following is an entry in ClinVar:

ClinVar aggregate classification (germline): Conflicting classifications of pathogenicity. Review status: criteria provided, conflicting classifications (1 of 4 stars). 3 submissions from 3 submitters: Uncertain significance (1); Likely benign (2). Last evaluated 2025-01-29.

Conditions:
CACNA1A-related disorder. Also called: CACNA1A-related condition.

Allele frequency attached by ClinVar (database versions not stated): gnomAD 0.00017; TOPMed 0.00019; 1000 Genomes Project 30x 0.00062.
gnomAD v4.1: 70 of 1,393,514 alleles (0.005%); highest among the groups gnomAD compares: African/African-American, 0.07%; 1 homozygote.

Submissions (3):

PreventionGenetics, part of Exact Sciences
Classification: Likely benign for CACNA1A-related condition. Last evaluated: 2025-01-29. Review status: criteria provided, single submitter. Criteria: ACMG Guidelines, 2015. Collection method: clinical testing. Allele origin: germline.
Comment: This variant is classified as likely benign based on ACMG/AMP sequence variant interpretation guidelines (Richards et al. 2015 PMID: 25741868, with internal and published modifications).

CeGaT Center for Human Genetics Tuebingen
Classification: Likely benign. Last evaluated: 2023-05-01. Review status: criteria provided, single submitter. Criteria: CeGaT Center For Human Genetics Tuebingen Variant Classification Criteria Version 2. Collection method: clinical testing. Allele origin: germline. Affected: yes. Observed: 1 variant allele.
Comment: CACNA1A: BP4, BP7

Athena Diagnostics
Classification: Uncertain significance. Last evaluated: 2020-02-28. Review status: criteria provided, single submitter. Criteria: Athena Diagnostics Criteria. Collection method: clinical testing. Allele origin: unknown.

NM_001127222.2(CACNA1A):c.7050C>T (p.Ala2350=)

Gene: CACNA1A (calcium voltage-gated channel subunit alpha1 A; minus strand). Cytogenetic location: 19p13.13.
Variant type: single nucleotide variant.
Coding change: c.7050C>T on transcript NM_001127222.2 (MANE Select); coding-DNA position 7050, C replaced by T.
Protein change: p.Ala2350=; no amino-acid change (alanine 2350 retained).
Molecular consequence: synonymous variant. On other transcripts: 3 prime UTR variant (3).
Genome position (GRCh38, 1-based): chr19:13,207,784, G>A on the plus strand (C>T on the coding strand, the complement: CACNA1A is on the minus strand). VCF-style: chr19-13207784-G-A. GRCh37 (hg19) VCF-style: chr19-13318598-G-A.
Other names: c.7050C>T (NM_001127222.1); c.*262C>T (NM_000068.4, NM_001127221.2, NM_001174080.2); c.7068C>T, p.Ala2356= (NM_023035.3).
Identifiers: ClinVar variation 995299 (VCV000995299.29), dbSNP rs932173199, ClinGen allele CA305546585.
Genomic context (GRCh38, chr19:13,207,784, plus strand): 5'-CCGCCTCTCCATCCTGGGCGAGCGGCCGCTGCTGTGGCCCCCCGTGGGCGGCCGATCTCC[G>A]GCCAGAGGCTCGGCCGTGGGGCCTGGGTACCTCCGAGGGCCGCTGGTGGCCGCCCGGCCC-3'
Protein context (NP_001120694.1, residues 2340-2360): RYPGPTAEPL[Ala2350=]GDRPPTGGHS